The following is an entry in ClinVar:

ClinVar aggregate classification (germline): Uncertain significance (1 of 4 stars; one submission).

Allele frequency attached by ClinVar (database versions not stated): gnomAD exomes below 0.00001.

Submission:

Labcorp Genetics (formerly Invitae), Labcorp
Classification: Uncertain significance. Last evaluated: 2025-04-28. Review status: criteria provided, single submitter. Criteria: Invitae Variant Classification Sherloc (09022015). Collection method: clinical testing. Allele origin: germline.
Comment: This sequence change replaces alanine, which is neutral and non-polar, with valine, which is neutral and non-polar, at codon 976 of the LAMA1 protein (p.Ala976Val). This variant is not present in population databases (gnomAD no frequency). This variant has not been reported in the literature in individuals affected with LAMA1-related conditions. ClinVar contains an entry for this variant (Variation ID: 1965897). Invitae Evidence Modeling of protein sequence and biophysical properties (such as structural, functional, and spatial information, amino acid conservation, physicochemical variation, residue mobility, and thermodynamic stability) indicates that this missense variant is not expected to disrupt LAMA1 protein function with a negative predictive value of 80%. Algorithms developed to predict the effect of sequence changes on RNA splicing suggest that this variant may disrupt the consensus splice site. In summary, the available evidence is currently insufficient to determine the role of this variant in disease. Therefore, it has been classified as a Variant of Uncertain Significance.

NM_005559.4(LAMA1):c.2927C>T (p.Ala976Val)

Gene: LAMA1 (laminin subunit alpha 1; minus strand). Cytogenetic location: 18p11.31.
Variant type: single nucleotide variant.
Coding change: c.2927C>T on transcript NM_005559.4 (MANE Select); coding-DNA position 2927, C replaced by T.
Protein change: p.Ala976Val; replaces alanine 976 with valine.
Molecular consequence: missense variant.
Genome position (GRCh38, 1-based): chr18:7,016,553, G>A on the plus strand (C>T on the coding strand, the complement: LAMA1 is on the minus strand). VCF-style: chr18-7016553-G-A. GRCh37 (hg19) VCF-style: chr18-7016552-G-A.
Other names: short protein forms A976V.
Identifiers: ClinVar variation 1965897 (VCV001965897.5), dbSNP rs2510073855, ClinGen allele CA401850843.
Genomic context (GRCh38, chr18:7,016,553, plus strand): 5'-GTACAGCTACCATCCTGGTAGGCGTAGAAGCCATGGGCACACCTGTCACACCTTTTCCCT[G>A]CCACACCTGGGACACAGTGACACTGGCCTTCATCCGTGCAGCCATCTGACACGGAGCCTG-3'
Protein context (NP_005550.2, residues 966-986): EGQCHCVPGV[Ala976Val]GKRCDRCAHG